The following is an entry in ClinVar:

NM_006662.3(SRCAP):c.8350A>C (p.Thr2784Pro)

Gene: SRCAP (Snf2 related CREBBP activator protein; plus strand). Cytogenetic location: 16p11.2.
Variant type: single nucleotide variant.
Coding change: c.8350A>C on transcript NM_006662.3 (MANE Select); coding-DNA position 8350, A replaced by C.
Protein change: p.Thr2784Pro; replaces threonine 2784 with proline.
Molecular consequence: missense variant.
Genome position (GRCh38, 1-based): chr16:30,738,390, A>C. VCF-style: chr16-30738390-A-C. GRCh37 (hg19) VCF-style: chr16-30749711-A-C.
Other names: short protein forms T2784P.
Identifiers: ClinVar variation 318900 (VCV000318900.14), dbSNP rs73538429, ClinGen allele CA8012674.

ClinVar aggregate classification (germline): Benign/Likely benign. Review status: criteria provided, multiple submitters, no conflicts (2 of 4 stars). 4 submissions from 4 submitters: Benign (2); Likely benign (2). Last evaluated 2026-06-05.

Allele frequency attached by ClinVar (database versions not stated): gnomAD exomes 0.00029 and 0.00092; 1000 Genomes Project 0.00399; ESP Exome Variant Server 0.00446; 1000 Genomes Project 30x 0.00484; ExAC 0.00118; gnomAD 0.00300 and 0.00320; TOPMed 0.00317.

Submissions (4):

Women's Health and Genetics/Laboratory Corporation of America, LabCorp
Classification: Likely benign. Last evaluated: 2026-06-05. Review status: criteria provided, single submitter. Criteria: LabCorp Variant Classification Summary - May 2015. Collection method: clinical testing. Allele origin: germline.
Comment: Variant summary: SRCAP c.8350A>C (p.Thr2784Pro) results in a non-conservative amino acid change in the encoded protein sequence. Algorithms developed to predict the effect of missense changes on protein structure and function are either unavailable or do not agree on the potential impact of this missense change. The variant allele was found at a frequency of 0.00092 in 198030 control chromosomes, predominantly at a frequency of 0.011 within the African or African-American subpopulation in the gnomAD database. The observed variant frequency within African or African-American control individuals in the gnomAD database exceeds the estimated maximal expected allele frequency for disease-causing variants in SRCAP. To our knowledge, no occurrence of c.8350A>C in individuals affected with SRCAP-related conditions and no experimental evidence demonstrating its impact on protein function have been reported. ClinVar contains an entry for this variant (Variation ID: 318900). Based on the evidence outlined above, the variant was classified as likely benign.

Labcorp Genetics (formerly Invitae), Labcorp
Classification: Benign. Last evaluated: 2025-12-30. Review status: criteria provided, single submitter. Criteria: Invitae Variant Classification Sherloc (09022015). Collection method: clinical testing. Allele origin: germline.

Blueprint Genetics
Classification: Likely benign. Last evaluated: 2024-09-18. Review status: criteria provided, single submitter. Criteria: ACMG Guidelines, 2015. Collection method: clinical testing. Allele origin: germline.

Breakthrough Genomics
Classification: Benign. Review status: criteria provided, single submitter. Criteria: ACMG Guidelines, 2015. Collection method: not provided. Allele origin: germline. Inheritance: Autosomal dominant inheritance. Affected: yes.